The following is an entry in ClinVar:

NM_005562.3(LAMC2):c.2012A>T (p.Glu671Val)

Gene: LAMC2 (laminin subunit gamma 2; plus strand). Cytogenetic location: 1q25.3.
Variant type: single nucleotide variant.
Coding change: c.2012A>T on transcript NM_005562.3 (MANE Select); coding-DNA position 2012, A replaced by T.
Protein change: p.Glu671Val; replaces glutamic acid 671 with valine.
Molecular consequence: missense variant.
Genome position (GRCh38, 1-based): chr1:183,232,341, A>T. VCF-style: chr1-183232341-A-T. GRCh37 (hg19) VCF-style: chr1-183201476-A-T.
Other names: c.2012A>T, p.Glu671Val (NM_018891.3); short protein forms E671V.
Identifiers: ClinVar variation 2199204 (VCV002199204.6), dbSNP rs765653559, ClinGen allele CA1282786.

ClinVar aggregate classification (germline): Uncertain significance. Review status: criteria provided, multiple submitters, no conflicts (2 of 4 stars). 2 submissions from 2 submitters: Uncertain significance (2). Last evaluated 2025-01-07.

Allele frequency attached by ClinVar (database versions not stated): gnomAD exomes below 0.00001; TOPMed below 0.00001; ExAC 0.00001; gnomAD 0.00001.
gnomAD v4.1: 3 of 1,613,822 alleles (0.00019%); highest among the groups gnomAD compares: East Asian, 0.0022%; no homozygotes.

Submissions (2):

Dasa
Classification: Uncertain significance. Last evaluated: 2025-01-07. Review status: criteria provided, single submitter. Criteria: DASA Assertion Criteria. Collection method: clinical testing. Allele origin: germline.
Comment: NM_005562.3(LAMC2):c.2012A>T (p.Glu671Val) is a missense variant that results in the substitution of glutamic acid with valine. This variant is rare in population databases. Computational prediction algorithms are consistent with a deleterious effect. The currently available literature and clinical evidence are not sufficient to establish a definitive association between this variant and the reported condition. Therefore, this variant is classified as a variant of uncertain significance.

Labcorp Genetics (formerly Invitae), Labcorp
Classification: Uncertain significance. Last evaluated: 2022-11-23. Review status: criteria provided, single submitter. Criteria: Invitae Variant Classification Sherloc (09022015). Collection method: clinical testing. Allele origin: germline.
Comment: Algorithms developed to predict the effect of sequence changes on RNA splicing suggest that this variant may disrupt the consensus splice site. In summary, the available evidence is currently insufficient to determine the role of this variant in disease. Therefore, it has been classified as a Variant of Uncertain Significance. Algorithms developed to predict the effect of missense changes on protein structure and function are either unavailable or do not agree on the potential impact of this missense change (SIFT: "Tolerated"; PolyPhen-2: "Possibly Damaging"; Align-GVGD: "Class C0"). This missense change has been observed in individual(s) with LAMC2-related conditions (Invitae). In at least one individual the data is consistent with being in trans (on the opposite chromosome) from a pathogenic variant. This variant is present in population databases (rs765653559, gnomAD 0.006%). This sequence change replaces glutamic acid, which is acidic and polar, with valine, which is neutral and non-polar, at codon 671 of the LAMC2 protein (p.Glu671Val).